The following is an entry in ClinVar:

ClinVar aggregate classification (germline): Benign/Likely benign. Review status: criteria provided, multiple submitters, no conflicts (2 of 4 stars). 4 submissions from 4 submitters: Benign (1); Likely benign (3). Last evaluated 2026-02-03.

Conditions:
Pontocerebellar hypoplasia type 1A (PCH1A). Also called: PONTOCEREBELLAR HYPOPLASIA WITH ANTERIOR HORN CELL DISEASE; PONTOCEREBELLAR HYPOPLASIA WITH INFANTILE SPINAL MUSCULAR ATROPHY. Identifiers: Orphanet 2254, Orphanet 88616, MedGen C1843504, MONDO:0011866, OMIM 607596.

Allele frequency attached by ClinVar (database versions not stated): 1000 Genomes Project 30x 0.00016; 1000 Genomes Project 0.00020; ESP Exome Variant Server 0.00023; gnomAD exomes 0.00055 and 0.00071; ExAC 0.00065; TOPMed 0.00076; gnomAD 0.00081 and 0.00085.
gnomAD v4.1: 1,162 of 1,612,612 alleles (0.072%); highest among the groups gnomAD compares: Non-Finnish European, 0.084%; 4 homozygotes.

Submissions (4):

Labcorp Genetics (formerly Invitae), Labcorp
Classification: Benign for Pontocerebellar hypoplasia type 1A. Last evaluated: 2026-02-03. Review status: criteria provided, single submitter. Criteria: Invitae Variant Classification Sherloc (09022015). Collection method: clinical testing. Allele origin: germline.

Blueprint Genetics
Classification: Likely benign. Last evaluated: 2024-11-18. Review status: criteria provided, single submitter. Criteria: ACMG Guidelines, 2015. Collection method: clinical testing. Allele origin: germline.

GeneDx
Classification: Likely benign. Last evaluated: 2017-06-02. Review status: criteria provided, single submitter. Criteria: GeneDx Variant Classification (06012015). Collection method: clinical testing. Allele origin: germline. Affected: yes.
Comment: This variant is considered likely benign or benign based on one or more of the following criteria: it is a conservative change, it occurs at a poorly conserved position in the protein, it is predicted to be benign by multiple in silico algorithms, and/or has population frequency not consistent with disease.

Breakthrough Genomics
Classification: Likely benign. Review status: criteria provided, single submitter. Criteria: ACMG Guidelines, 2015. Collection method: not provided. Allele origin: germline. Inheritance: Autosomal recessive inheritance. Affected: yes.

NM_003384.3(VRK1):c.286+12A>G

Gene: VRK1 (VRK serine/threonine kinase 1; plus strand). Cytogenetic location: 14q32.2.
Variant type: single nucleotide variant.
Coding change: c.286+12A>G on transcript NM_003384.3 (MANE Select); 12 bases into the intron after coding-DNA position 286, A replaced by G.
Molecular consequence: intron variant.
Genome position (GRCh38, 1-based): chr14:96,846,176, A>G. VCF-style: chr14-96846176-A-G. GRCh37 (hg19) VCF-style: chr14-97312513-A-G.
Identifiers: ClinVar variation 382217 (VCV000382217.12), dbSNP rs376603491, ClinGen allele CA7338906.